The following is an entry in ClinVar:

ClinVar aggregate classification (germline): Pathogenic (1 of 4 stars; one submission).

Conditions:
Low phospholipid associated cholelithiasis (GBD1). Also called: Gallbladder disease 1; Gallstone cholecystitis. Identifiers: Orphanet 69663, MedGen C2609268, MONDO:0010939, OMIM 600803.

Submission:

Genomenon, Inc
Classification: Pathogenic for Low phospholipid associated cholelithiasis. Last evaluated: 2026-04-14. Review status: criteria provided, single submitter. Criteria: Genomenon Sequence Variant Interpretation Standards - Updated. Collection method: curation. Allele origin: germline. Affected: yes.
Comment: ABCB4 p.Trp658Ter (c.1973G>A) is a nonsense variant that introduces a premature stop codon at amino acid position 658, creating a truncated protein that is predicted to undergo nonsense-mediated mRNA decay. This variant has been observed in at least one proband with an ABCB4-related disorder (PMID:12891548). It is absent or not present at a significant frequency in gnomAD. In conclusion, we classify ABCB4 p.Trp658Ter (c.1973G>A) as a pathogenic variant.

Literature cited by the submitters: PubMed 12891548.

NM_000443.4(ABCB4):c.1973G>A (p.Trp658Ter)

Gene: ABCB4 (ATP binding cassette subfamily B member 4; minus strand). Cytogenetic location: 7q21.12.
Variant type: single nucleotide variant.
Coding change: c.1973G>A on transcript NM_000443.4 (MANE Select); coding-DNA position 1973, G replaced by A.
Protein change: p.Trp658Ter; replaces tryptophan 658 with a stop codon.
Molecular consequence: nonsense.
Genome position (GRCh38, 1-based): chr7:87,426,841, C>T on the plus strand (G>A on the coding strand, the complement: ABCB4 is on the minus strand). VCF-style: chr7-87426841-C-T. GRCh37 (hg19) VCF-style: chr7-87056157-C-T.
Other names: c.1973G>A, p.Trp658Ter (NM_018849.3, NM_018850.3); short protein forms W658*.
Identifiers: ClinVar variation 4846670 (VCV004846670.1).
Genomic context (GRCh38, chr7:87,426,841, plus strand): 5'-TGACACATTTGTGAATTTTTAAGGTTTTTCTGAGTAGAATGCCTAAATAGGCGAGATTTC[C>T]AGCCATTTGGGGCCATTCTAGTGGCAGCCTTTTCATCATTTAGTTCAAATTCTTCTGACT-3'